The following is an entry in ClinVar:

NM_006445.4(PRPF8):c.5841C>T (p.Asn1947=)

Gene: PRPF8 (pre-mRNA processing factor 8; minus strand). Cytogenetic location: 17p13.3.
Variant type: single nucleotide variant.
Coding change: c.5841C>T on transcript NM_006445.4 (MANE Select); coding-DNA position 5841, C replaced by T.
Protein change: p.Asn1947=; no amino-acid change (asparagine 1947 retained).
Molecular consequence: synonymous variant.
Genome position (GRCh38, 1-based): chr17:1,655,496, G>A on the plus strand (C>T on the coding strand, the complement: PRPF8 is on the minus strand). VCF-style: chr17-1655496-G-A. GRCh37 (hg19) VCF-style: chr17-1558790-G-A.
Identifiers: ClinVar variation 891251 (VCV000891251.13), dbSNP rs142499204, ClinGen allele CA8271317.
Genomic context (GRCh38, chr17:1,655,496, plus strand): 5'-GATGTGGTGTGGTTCTGTAATAGTAGTCTTGTCTGGCTTCAGGATCACTTTTGCCCGATC[G>A]TTGTTCACATGTAGGGCACGCAGAATCAGGATGAGACGGGAGAAGGCCTGGGAAAAGATT-3'
Protein context (NP_006436.3, residues 1937-1957): ILILRALHVN[Asn1947=]DRAKVILKPD

ClinVar aggregate classification (germline): Conflicting classifications of pathogenicity. Review status: criteria provided, conflicting classifications (1 of 4 stars). 4 submissions from 4 submitters: Uncertain significance (1); Likely benign (3). Last evaluated 2025-12-26.

Conditions:
PRPF8-related disorder. Also called: PRPF8-related condition.
Retinitis pigmentosa (RP). Identifiers: Orphanet 791, MedGen C0035334, MeSH D012174, MONDO:0019200, OMIM 268000. Inheritance: Autosomal dominant, autosomal recessive and X linked inheritance.

Allele frequency attached by ClinVar (database versions not stated): gnomAD exomes 0.00003 and 0.00007; ExAC 0.00008; gnomAD 0.00027; TOPMed 0.00027; ESP Exome Variant Server 0.00038; 1000 Genomes Project 0.00040; 1000 Genomes Project 30x 0.00047.
gnomAD v4.1: 95 of 1,614,040 alleles (0.0059%); highest among the groups gnomAD compares: African/African-American, 0.067%; no homozygotes.

Submissions (4):

PreventionGenetics, part of Exact Sciences
Classification: Likely benign for PRPF8-related condition. Last evaluated: 2025-12-26. Review status: criteria provided, single submitter. Criteria: ACMG Guidelines, 2015. Collection method: clinical testing. Allele origin: germline.
Comment: This variant is classified as likely benign based on ACMG/AMP sequence variant interpretation guidelines (Richards et al. 2015 PMID: 25741868, with internal and published modifications).

Labcorp Genetics (formerly Invitae), Labcorp
Classification: Likely benign. Last evaluated: 2025-09-02. Review status: criteria provided, single submitter. Criteria: Invitae Variant Classification Sherloc (09022015). Collection method: clinical testing. Allele origin: germline.

Blueprint Genetics
Classification: Likely benign. Last evaluated: 2024-11-11. Review status: criteria provided, single submitter. Criteria: ACMG Guidelines, 2015. Collection method: clinical testing. Allele origin: germline.

Illumina Laboratory Services, Illumina
Classification: Uncertain significance for Retinitis pigmentosa. Last evaluated: 2018-01-12. Review status: criteria provided, single submitter. Criteria: ICSL Variant Classification Criteria 13 December 2019. Collection method: clinical testing. Allele origin: germline.